The following is an entry in ClinVar:

NM_024809.5(TCTN2):c.888G>A (p.Pro296=)

Gene: TCTN2 (tectonic family member 2; plus strand). Cytogenetic location: 12q24.31.
Variant type: single nucleotide variant.
Coding change: c.888G>A on transcript NM_024809.5 (MANE Select); coding-DNA position 888, G replaced by A.
Protein change: p.Pro296=; no amino-acid change (proline 296 retained).
Molecular consequence: synonymous variant.
Genome position (GRCh38, 1-based): chr12:123,688,174, G>A. VCF-style: chr12-123688174-G-A. GRCh37 (hg19) VCF-style: chr12-124172721-G-A.
Other names: c.885G>A, p.Pro295= (NM_001143850.3).
Identifiers: ClinVar variation 307556 (VCV000307556.19), dbSNP rs116845100, ClinGen allele CA6861020.
Genomic context (GRCh38, chr12:123,688,174, plus strand): 5'-CTTTGGTTACAAACAAGGAGATCCCATTATGACTGTAAAGAAGGCATATTTTACTATTCC[G>A]CAGGTAATCGTTGCAATATTAGTATGCTAGACCGTTCTCTTTTTTTTTTTTTTTTTTATG-3'
Protein context (NP_079085.2, residues 286-306): MTVKKAYFTI[Pro296=]QVSLAGQCMQ

ClinVar aggregate classification (germline): Conflicting classifications of pathogenicity. Review status: criteria provided, conflicting classifications (1 of 4 stars). 4 submissions from 3 submitters: Uncertain significance (1); Benign (1); Likely benign (2). Last evaluated 2026-02-04.

Conditions:
Meckel syndrome, type 8. Identifiers: Orphanet 564, MedGen C3836857, MONDO:0013482, OMIM 613885.
Joubert syndrome 24 (JBTS24). Identifiers: Orphanet 475, MedGen C4084841, MONDO:0014724, OMIM 616654.
Meckel-Gruber syndrome. Also called: Dysencephalia splachnocystica; DYSENCEPHALIA SPLANCHNOCYSTICA; GRUBER SYNDROME. Identifiers: Orphanet 564, MedGen C0265215, MONDO:0018921.
Joubert syndrome. Also called: Familial aplasia of the vermis; CEREBELLOPARENCHYMAL DISORDER IV; JOUBERT-BOLTSHAUSER SYNDROME. Identifiers: Orphanet 475, MedGen C5979921, MONDO:0018772.

Allele frequency attached by ClinVar (database versions not stated): ESP Exome Variant Server 0.00015; gnomAD 0.00068 and 0.00086; TOPMed 0.00082; ExAC 0.00107; gnomAD exomes 0.00120; 1000 Genomes Project 30x 0.00141; 1000 Genomes Project 0.00180.
gnomAD v4.1: 1,362 of 1,611,692 alleles (0.085%); highest among the groups gnomAD compares: East Asian, 2.8%; 30 homozygotes.

Submissions (4):

Labcorp Genetics (formerly Invitae), Labcorp
Classification: Benign for Joubert syndrome; Meckel-Gruber syndrome. Last evaluated: 2026-02-04. Review status: criteria provided, single submitter. Criteria: Invitae Variant Classification Sherloc (09022015). Collection method: clinical testing. Allele origin: germline.

GeneDx
Classification: Likely benign. Last evaluated: 2020-12-15. Review status: criteria provided, single submitter. Criteria: GeneDx Variant Classification Process June 2021. Collection method: clinical testing. Allele origin: germline. Affected: yes.

Illumina Laboratory Services, Illumina
Classification: Uncertain significance for Meckel syndrome, type 8. Last evaluated: 2018-01-13. Review status: criteria provided, single submitter. Criteria: ICSL Variant Classification Criteria 13 December 2019. Collection method: clinical testing. Allele origin: germline.

Illumina Laboratory Services, Illumina
Classification: Likely benign for Joubert syndrome 24. Last evaluated: 2018-01-13. Review status: criteria provided, single submitter. Criteria: ICSL Variant Classification Criteria 13 December 2019. Collection method: clinical testing. Allele origin: germline.
Comment: This variant was observed in the ICSL laboratory as part of a predisposition screen in an ostensibly healthy population. It had not been previously curated by ICSL or reported in the Human Gene Mutation Database (HGMD: prior to June 1st, 2018), and was therefore a candidate for classification through an automated scoring system. Utilizing variant allele frequency, disease prevalence and penetrance estimates, and inheritance mode, an automated score was calculated to assess if this variant is too frequent to cause the disease. Based on the score and internal cut-off values, a variant classified as likely benign is not then subjected to further curation. The score for this variant resulted in a classification of likely benign for this disease.